The following is an entry in ClinVar:

ClinVar aggregate classification (germline): Uncertain significance. Review status: criteria provided, multiple submitters, no conflicts (2 of 4 stars). 3 submissions from 3 submitters: Uncertain significance (2). 1 of the submissions does not count toward it. Last evaluated 2025-10-22.

Conditions:
Inborn genetic diseases. Identifiers: MedGen C0950123, MeSH D030342.
Glycine encephalopathy. Also called: Non-ketotic hyperglycinemia; Nonketotic hyperglycinemia. Identifiers: Orphanet 407, MedGen C0751748, MONDO:0011612, HP:0008288.

Allele frequency attached by ClinVar (database versions not stated): ExAC 0.00001; gnomAD 0.00001; gnomAD exomes 0.00002 and 0.00005; TOPMed 0.00003.

Submissions (3):

Ambry Genetics
Classification: Uncertain significance for Inborn genetic diseases. Last evaluated: 2025-10-22. Review status: criteria provided, single submitter. Criteria: Ambry Variant Classification Scheme 2023. Collection method: clinical testing. Allele origin: germline.

Labcorp Genetics (formerly Invitae), Labcorp
Classification: Uncertain significance for Glycine encephalopathy. Last evaluated: 2024-09-05. Review status: criteria provided, single submitter. Criteria: Invitae Variant Classification Sherloc (09022015). Collection method: clinical testing. Allele origin: germline.
Comment: This sequence change replaces proline, which is neutral and non-polar, with leucine, which is neutral and non-polar, at codon 20 of the AMT protein (p.Pro20Leu). This variant is present in population databases (rs749087037, gnomAD 0.003%). This variant has not been reported in the literature in individuals affected with AMT-related conditions. ClinVar contains an entry for this variant (Variation ID: 967829). Invitae Evidence Modeling of protein sequence and biophysical properties (such as structural, functional, and spatial information, amino acid conservation, physicochemical variation, residue mobility, and thermodynamic stability) indicates that this missense variant is not expected to disrupt AMT protein function with a negative predictive value of 80%. In summary, the available evidence is currently insufficient to determine the role of this variant in disease. Therefore, it has been classified as a Variant of Uncertain Significance.

Natera, Inc.
Classification: Uncertain significance for Non-ketotic hyperglycinemia. Last evaluated: 2020-03-09. Review status: no assertion criteria provided. Collection method: clinical testing. Allele origin: germline. Not counted in ClinVar's aggregate classification.

NM_000481.4(AMT):c.59C>T (p.Pro20Leu)

Genes: AMT (aminomethyltransferase; minus strand), NICN1 (nicolin 1, tubulin polyglutamylase complex subunit; minus strand). Cytogenetic location: 3p21.31.
Variant type: single nucleotide variant.
Coding change: c.59C>T on transcript NM_000481.4 (MANE Select); coding-DNA position 59, C replaced by T.
Protein change: p.Pro20Leu; replaces proline 20 with leucine.
Molecular consequence: missense variant. On other transcripts: non-coding transcript variant (1), 3 prime UTR variant (1).
Genome position (GRCh38, 1-based): chr3:49,422,392, G>A on the plus strand (C>T on the coding strand, the complement: AMT is on the minus strand). VCF-style: chr3-49422392-G-A. GRCh37 (hg19) VCF-style: chr3-49459825-G-A.
Other names: c.59C>T, p.Pro20Leu (NM_001164710.2, NM_001164711.2, NM_001164712.2); c.*2441C>T (NM_032316.3); short protein forms P20L.
Identifiers: ClinVar variation 967829 (VCV000967829.9), dbSNP rs749087037, ClinGen allele CA2398502.